The following is an entry in ClinVar:

NM_001369.3(DNAH5):c.3589_3590del (p.Leu1197fs)

Genes: DNAH5 (dynein axonemal heavy chain 5; minus strand), DNAH5-AS1 (DNAH5 antisense RNA 1; plus strand). Cytogenetic location: 5p15.2.
Variant type: Microsatellite.
Coding change: c.3589_3590del on transcript NM_001369.3 (MANE Select); coding-DNA positions 3589 to 3590, 2 bases deleted (CT; older notation c.3589_3590delCT).
Protein change: p.Leu1197fs; shifts the reading frame from leucine 1197.
Molecular consequence: frameshift variant.
Genome position (GRCh38, 1-based): chr5:13,871,572-13,871,573, AG deleted on the plus strand (CT on the coding strand, the reverse complement: DNAH5 is on the minus strand); deleting any 2 consecutive bases within chr5:13,871,572-13,871,575 gives the same sequence; the c. name uses the placement nearest the transcript's 3' end. VCF-style (leftmost placement, unchanged base first): chr5-13871571-CAG-C. GRCh37 (hg19) VCF-style: chr5-13871680-CAG-C.
Other names: c.3589_3590del (NM_001369.2); c.3589_3590delCT (NM_001369.2); short protein forms L1197fs.
Identifiers: ClinVar variation 579551 (VCV000579551.13), dbSNP rs1561477725, ClinGen allele CA557876979.

ClinVar aggregate classification (germline): Pathogenic/Likely pathogenic. Review status: criteria provided, multiple submitters, no conflicts (2 of 4 stars). 5 submissions from 5 submitters: Pathogenic (2); Likely pathogenic (2). 1 of the submissions does not count toward it. Last evaluated 2025-04-18.

Conditions:
Primary ciliary dyskinesia. Also called: Ciliary dyskinesia. Identifiers: Orphanet 244, MedGen C0008780, MONDO:0016575, HP:0012265.
DNAH5-related disorder. Also called: DNAH5-related condition.
Primary ciliary dyskinesia 3. Identifiers: Orphanet 244, MedGen C1837618, MONDO:0012085, OMIM 608644.

Submissions (5):

Natera, Inc.
Classification: Likely pathogenic for Primary ciliary dyskinesia. Last evaluated: 2025-04-18. Review status: criteria provided, single submitter. Criteria: Natera Variant Classification Schema (03/2026). Collection method: clinical testing. Allele origin: germline.
Comment: The c.3589_3590del variant in DNAH5 is a frameshift variant predicted to shift the reading frame beginning at codon 1197 and leads to a stop codon 4 codons downstream. This variant is expected to result in nonsense mediated decay, truncation, or a dysfunctional protein product. This variant is rare in the general population with a frequency below the threshold expected for the associated phenotype(s). Given the available evidence, this variant is classified as Likely Pathogenic.

Fulgent Genetics
Classification: Likely pathogenic for Primary ciliary dyskinesia 3. Last evaluated: 2024-05-20. Review status: criteria provided, single submitter. Criteria: ACMG Guidelines, 2015. Collection method: clinical testing. Allele origin: germline.

Myriad Genetics, Inc.
Classification: Pathogenic for Primary ciliary dyskinesia 3. Last evaluated: 2024-05-08. Review status: criteria provided, single submitter. Criteria: Myriad Autosomal Dominant, Autosomal Recessive and X-Linked Classification Criteria (2023). Collection method: clinical testing. Allele origin: unknown.
Comment: NM_001369.2(DNAH5):c.3589_3590delCT(L1197Vfs*4) is expected to be pathogenic in the context of primary ciliary dyskinesia, DNAH5-related. This variant is predicted to lead to an abnormal or absent protein product due to the creation of a premature termination codon in DNAH5, a gene where loss-of-function variants are known to be pathogenic. Please note: this variant was assessed in the context of healthy population screening.

Labcorp Genetics (formerly Invitae), Labcorp
Classification: Pathogenic for Primary ciliary dyskinesia. Last evaluated: 2023-08-11. Review status: criteria provided, single submitter. Criteria: Invitae Variant Classification Sherloc (09022015). Collection method: clinical testing. Allele origin: germline.
Comment: For these reasons, this variant has been classified as Pathogenic. Algorithms developed to predict the effect of sequence changes on RNA splicing suggest that this variant may create or strengthen a splice site. ClinVar contains an entry for this variant (Variation ID: 579551). This premature translational stop signal has been observed in individual(s) with primary ciliary dyskinesia (Invitae). It has also been observed to segregate with disease in related individuals. This variant is present in population databases (no rsID available, gnomAD 0.003%). This sequence change creates a premature translational stop signal (p.Leu1197Valfs*4) in the DNAH5 gene. It is expected to result in an absent or disrupted protein product. Loss-of-function variants in DNAH5 are known to be pathogenic (PMID: 11788826, 16627867).

PreventionGenetics, part of Exact Sciences
Classification: Pathogenic for DNAH5-related condition. Last evaluated: 2023-11-22. Review status: no assertion criteria provided. Collection method: clinical testing. Allele origin: germline. Not counted in ClinVar's aggregate classification.
Comment: The DNAH5 c.3589_3590delCT variant is predicted to result in a frameshift and premature protein termination (p.Leu1197Valfs*4). To our knowledge, this variant has not been reported in the literature. This variant is reported in 0.0033% of alleles in individuals of South Asian descent in gnomAD. Frameshift variants in DNAH5 are expected to be pathogenic. This variant is interpreted as pathogenic.

Literature cited by the submitters: PubMed 11788826 (cited by Labcorp Genetics (formerly Invitae), Labcorp); PubMed 16627867 (cited by Labcorp Genetics (formerly Invitae), Labcorp).